The following is an entry in ClinVar:

NM_004817.4(TJP2):c.748G>A (p.Glu250Lys)

Gene: TJP2 (tight junction protein 2; plus strand). Cytogenetic location: 9q21.11.
Variant type: single nucleotide variant.
Coding change: c.748G>A on transcript NM_004817.4 (MANE Select); coding-DNA position 748, G replaced by A.
Protein change: p.Glu250Lys; replaces glutamic acid 250 with lysine.
Molecular consequence: missense variant.
Genome position (GRCh38, 1-based): chr9:69,221,292, G>A. VCF-style: chr9-69221292-G-A. GRCh37 (hg19) VCF-style: chr9-71836208-G-A.
Other names: c.679G>A, p.Glu227Lys (NM_001170414.2, NM_001369870.1, NM_001369871.1); c.760G>A, p.Glu254Lys (NM_001170415.1, NM_001369874.1, NM_001369875.1); c.841G>A, p.Glu281Lys (NM_001170416.2); c.748G>A, p.Glu250Lys (NM_001369872.1, NM_001369873.1, NM_201629.3); short protein forms E227K, E250K, E254K, E281K.
Identifiers: ClinVar variation 4975375 (VCV004975375.1).

ClinVar aggregate classification (germline): Uncertain significance (1 of 4 stars; one submission).

gnomAD v4.1: 9 of 1,607,066 alleles (0.00056%); highest among the groups gnomAD compares: African/African-American, 0.008%; no homozygotes.

Submission:

GeneDx
Classification: Uncertain significance. Last evaluated: 2026-01-27. Review status: criteria provided, single submitter. Criteria: GeneDx Variant Classification Process June 2021. Collection method: clinical testing. Allele origin: germline.
Comment: In silico analysis suggests that this missense variant does not alter protein structure/function; Has not been previously published as pathogenic or benign to our knowledge